The following is an entry in ClinVar:

NM_018294.6(CWF19L1):c.792C>T (p.Asn264=)

Gene: CWF19L1 (CWF19 like cell cycle control factor 1; minus strand). Cytogenetic location: 10q24.31.
Variant type: single nucleotide variant.
Coding change: c.792C>T on transcript NM_018294.6 (MANE Select); coding-DNA position 792, C replaced by T.
Protein change: p.Asn264=; no amino-acid change (asparagine 264 retained).
Molecular consequence: synonymous variant.
Genome position (GRCh38, 1-based): chr10:100,246,852, G>A on the plus strand (C>T on the coding strand, the complement: CWF19L1 is on the minus strand). VCF-style: chr10-100246852-G-A. GRCh37 (hg19) VCF-style: chr10-102006609-G-A.
Other names: p.Asn264=; c.792C>T, p.Asn264= (NM_001303404.2); c.381C>T, p.Asn127= (NM_001303405.2, NM_001303406.2); c.57C>T, p.Asn19= (NM_001303407.2).
Identifiers: ClinVar variation 3046074 (VCV003046074.4), dbSNP rs200696401, ClinGen allele CA5647073.

ClinVar aggregate classification (germline): Likely benign. Review status: criteria provided, multiple submitters, no conflicts (2 of 4 stars). 3 submissions from 3 submitters: Likely benign (2). 1 of the submissions does not count toward it. Last evaluated 2025-09-05.

Conditions:
CWF19L1-related disorder. Also called: CWF19L1-related condition.

Allele frequency attached by ClinVar (database versions not stated): ExAC 0.00013; TOPMed 0.00021; ESP Exome Variant Server 0.00023; gnomAD 0.00032; gnomAD exomes 0.00035.
gnomAD v4.1: 549 of 1,614,002 alleles (0.034%); highest among the groups gnomAD compares: Non-Finnish European, 0.044%; 1 homozygote.

Submissions (3):

Mayo Clinic Laboratories, Mayo Clinic
Classification: Likely benign. Last evaluated: 2025-09-05. Review status: criteria provided, single submitter. Criteria: ACMG Guidelines, 2015. Collection method: clinical testing. Allele origin: germline. Observed: 2 variant alleles.
Comment: BP4, BP7

Blueprint Genetics
Classification: Likely benign. Last evaluated: 2024-10-09. Review status: criteria provided, single submitter. Criteria: ACMG Guidelines, 2015. Collection method: clinical testing. Allele origin: germline.

PreventionGenetics, part of Exact Sciences
Classification: Likely benign for CWF19L1-related condition. Last evaluated: 2019-10-28. Review status: no assertion criteria provided. Collection method: clinical testing. Allele origin: germline. Not counted in ClinVar's aggregate classification.
Comment: This variant is classified as likely benign based on ACMG/AMP sequence variant interpretation guidelines (Richards et al. 2015 PMID: 25741868, with internal and published modifications).